The following is an entry in ClinVar:

ClinVar aggregate classification (germline): Uncertain significance (1 of 4 stars; one submission).

Submission:

GeneDx
Classification: Uncertain significance. Last evaluated: 2022-12-01. Review status: criteria provided, single submitter. Criteria: GeneDx Variant Classification Process June 2021. Collection method: clinical testing. Allele origin: germline. Affected: yes.
Comment: Not observed at significant frequency in large population cohorts (gnomAD); In silico analysis supports that this missense variant has a deleterious effect on protein structure/function; Has not been previously published as pathogenic or benign to our knowledge

NM_014975.3(MAST1):c.1153T>C (p.Tyr385His)

Gene: MAST1 (microtubule associated serine/threonine kinase 1; plus strand). Cytogenetic location: 19p13.13.
Variant type: single nucleotide variant.
Coding change: c.1153T>C on transcript NM_014975.3 (MANE Select); coding-DNA position 1153, T replaced by C.
Protein change: p.Tyr385His; replaces tyrosine 385 with histidine.
Molecular consequence: missense variant.
Genome position (GRCh38, 1-based): chr19:12,858,437, T>C. VCF-style: chr19-12858437-T-C. GRCh37 (hg19) VCF-style: chr19-12969251-T-C.
Other names: short protein forms Y385H.
Identifiers: ClinVar variation 2504320 (VCV002504320.1), dbSNP rs2512531633, ClinGen allele CA404267051.
Genomic context (GRCh38, chr19:12,858,437, plus strand): 5'-GCCAAGAAACCGCCGGGGGAGAATGACTTCGATACCATCAAGCTCATAAGCAACGGTGCC[T>C]ACGGGTGAGCCACCCGGGGCTCTGGCGGGGGGAGGGTGGCGGAGGCCGGGTGTCTCGGAG-3'
Protein context (NP_055790.1, residues 375-395): DTIKLISNGA[Tyr385His]GAVYLVRHRD